The following is an entry in ClinVar:

ClinVar aggregate classification (germline): Benign/Likely benign. Review status: criteria provided, multiple submitters, no conflicts (2 of 4 stars). 12 submissions from 12 submitters: Benign (5); Likely benign (5). 2 of the submissions do not count toward it. Last evaluated 2026-04-01.

Conditions:
Early-infantile DEE. Also called: Early infantile epileptic encephalopathy; Early infantile epileptic encephalopathy with suppression bursts; Ohtahara syndrome. Identifiers: Orphanet 1934, MedGen C0393706, MONDO:0800491.
Inborn genetic diseases. Identifiers: MedGen C0950123, MeSH D030342.
Developmental and epileptic encephalopathy, 5 (DEE5). Identifiers: Orphanet 3451, MedGen C3150731, MONDO:0013277, OMIM 613477.

Allele frequency attached by ClinVar (database versions not stated): ExAC 0.00037; TOPMed 0.00120; 1000 Genomes Project 30x 0.00125; gnomAD 0.00129 and 0.00133; 1000 Genomes Project 0.00140; ESP Exome Variant Server 0.00177.
gnomAD v4.1: 385 of 1,613,972 alleles (0.024%); highest among the groups gnomAD compares: African/African-American, 0.36%; no homozygotes.

Submissions (12):

CeGaT Center for Human Genetics Tuebingen
Classification: Likely benign. Last evaluated: 2026-04-01. Review status: criteria provided, single submitter. Criteria: CeGaT Center For Human Genetics Tuebingen Variant Classification Criteria Version 2. Collection method: clinical testing. Allele origin: germline. Affected: yes. Observed: 1 variant allele.
Comment: SPTAN1: BP4, BP7, BS1

Labcorp Genetics (formerly Invitae), Labcorp
Classification: Benign for Early-infantile DEE. Last evaluated: 2026-02-02. Review status: criteria provided, single submitter. Criteria: Invitae Variant Classification Sherloc (09022015). Collection method: clinical testing. Allele origin: germline.

Athena Diagnostics
Classification: Benign. Last evaluated: 2024-12-17. Review status: criteria provided, single submitter. Criteria: Athena Diagnostics Criteria. Collection method: clinical testing. Allele origin: unknown.
Comment: The frequency of this variant in the general population is higher than would generally be expected for pathogenic variants in this gene.

Blueprint Genetics
Classification: Likely benign. Last evaluated: 2024-07-05. Review status: criteria provided, single submitter. Criteria: ACMG Guidelines, 2015. Collection method: clinical testing. Allele origin: germline.

Mayo Clinic Laboratories, Mayo Clinic
Classification: Benign. Last evaluated: 2024-01-10. Review status: criteria provided, single submitter. Criteria: ACMG Guidelines, 2015. Collection method: clinical testing. Allele origin: germline. Observed: 3 variant alleles.
Comment: BS1, BS2, BP4, BP7

Genome-Nilou Lab
Classification: Benign for Developmental and epileptic encephalopathy, 5. Last evaluated: 2021-07-15. Review status: criteria provided, single submitter. Criteria: ACMG Guidelines, 2015. Collection method: clinical testing. Allele origin: germline. Affected: no.

Ambry Genetics
Classification: Likely benign for Inborn genetic diseases. Last evaluated: 2017-02-01. Review status: criteria provided, single submitter. Criteria: Ambry Variant Classification Scheme 2023. Collection method: clinical testing. Allele origin: germline.

Eurofins Ntd Llc (ga)
Classification: Likely benign. Last evaluated: 2015-04-02. Review status: criteria provided, single submitter. Criteria: EGL Classification Definitions 2015. Collection method: clinical testing. Allele origin: germline. Observed: 1 variant allele, 1 heterozygote.

GeneDx
Classification: Benign. Last evaluated: 2014-06-17. Review status: criteria provided, single submitter. Criteria: GeneDx Variant Classification (06012015). Collection method: clinical testing. Allele origin: germline. Affected: yes.
Comment: This variant is considered likely benign or benign based on one or more of the following criteria: it is a conservative change, it occurs at a poorly conserved position in the protein, it is predicted to be benign by multiple in silico algorithms, and/or has population frequency not consistent with disease.

Breakthrough Genomics
Classification: Likely benign. Review status: criteria provided, single submitter. Criteria: ACMG Guidelines, 2015. Collection method: not provided. Allele origin: germline. Inheritance: Autosomal dominant inheritance. Affected: yes.

Clinical Genetics DNA and cytogenetics Diagnostics Lab, Erasmus MC, Erasmus Medical Center
Classification: Likely benign. Review status: no assertion criteria provided. Collection method: clinical testing. Allele origin: germline. Affected: yes. Study: VKGL Data-share Consensus. Not counted in ClinVar's aggregate classification.

Diagnostic Laboratory, Department of Genetics, University Medical Center Groningen
Classification: Likely benign. Review status: no assertion criteria provided. Collection method: clinical testing. Allele origin: germline. Affected: yes. Study: VKGL Data-share Consensus. Not counted in ClinVar's aggregate classification.

NM_001130438.3(SPTAN1):c.7392G>A (p.Ala2464=)

Gene: SPTAN1 (spectrin alpha, non-erythrocytic 1; plus strand). Cytogenetic location: 9q34.11.
Variant type: single nucleotide variant.
Coding change: c.7392G>A on transcript NM_001130438.3 (MANE Select); coding-DNA position 7392, G replaced by A.
Protein change: p.Ala2464=; no amino-acid change (alanine 2464 retained).
Molecular consequence: synonymous variant.
Genome position (GRCh38, 1-based): chr9:128,633,292, G>A. VCF-style: chr9-128633292-G-A. GRCh37 (hg19) VCF-style: chr9-131395571-G-A.
Other names: p.A2464A:GCG>GCA; p.Ala2464=; c.7317G>A, p.Ala2439= (NM_001195532.2); c.7455G>A, p.Ala2485= (NM_001363759.2); c.7332G>A, p.Ala2444= (NM_001363765.2); c.7377G>A, p.Ala2459= (NM_003127.4).
Identifiers: ClinVar variation 198000 (VCV000198000.33), dbSNP rs149318543, ClinGen allele CA303026.